The following is an entry in ClinVar:

NM_007294.4(BRCA1):c.5518_5524del (p.Leu1839_Asp1840insTer)

Gene: BRCA1 (BRCA1 DNA repair associated; minus strand). Cytogenetic location: 17q21.31.
Variant type: Deletion.
Coding change: c.5518_5524del on transcript NM_007294.4 (MANE Select); coding-DNA positions 5518 to 5524, 7 bases deleted (GACAGTG; older notation c.5518_5524delGACAGTG).
Protein change: p.Leu1839_Asp1840insTer.
Molecular consequence: nonsense. On other transcripts: 3 prime UTR variant (17).
Genome position (GRCh38, 1-based): chr17:43,045,746-43,045,752, CACTGTC deleted on the plus strand (GACAGTG on the coding strand, the reverse complement: BRCA1 is on the minus strand); deleting any 7 consecutive bases within chr17:43,045,746-43,045,754 gives the same sequence; the c. name uses the placement nearest the transcript's 3' end. VCF-style (leftmost placement, unchanged base first): chr17-43045745-ACACTGTC-A. GRCh37 (hg19) VCF-style: chr17-41197762-ACACTGTC-A.
Other names: c.5392_5398del, p.Leu1797_Asp1798insTer (NM_001407676.1, NM_001407679.1, NM_001407680.1 and 8 more transcripts); c.2086_2092del, p.Leu695_Asp696insTer (NM_001408427.1, NM_001408428.1, NM_001408425.1 and 4 more transcripts); c.2089_2095del, p.Leu696_Asp697insTer (NM_001408423.1, NM_001408424.1, NM_001408421.1 and 1 more transcripts); c.5389_5395del, p.Leu1796_Asp1797insTer (NM_001407681.1, NM_001407682.1, NM_001407683.1 and 6 more transcripts); c.5305_5311del, p.Leu1768_Asp1769insTer (NM_001407571.1, NM_001407894.1, NM_001407895.1 and 12 more transcripts); c.5584_5590del, p.Leu1861_Asp1862insTer (NM_001407581.1, NM_001407582.1); c.5581_5587del, p.Leu1860_Asp1861insTer (NM_001407583.1, NM_001407585.1, NM_001407587.1 and 1 more transcripts); c.5578_5584del, p.Leu1859_Asp1860insTer (NM_001407590.1, NM_001407591.1); and 74 more.
Identifiers: ClinVar variation 3893677 (VCV003893677.1).

ClinVar aggregate classification (germline): Pathogenic (1 of 4 stars; one submission).

Conditions:
Hereditary cancer-predisposing syndrome. Also called: Neoplastic Syndromes, Hereditary; Tumor predisposition; Hereditary Cancer Syndrome; Hereditary neoplastic syndrome. Identifiers: Orphanet 140162, MedGen C0027672, MeSH D009386, MONDO:0015356.

Submission:

Molecular Diagnostics Laboratory, Catalan Institute of Oncology
Classification: Pathogenic for Hereditary cancer-predisposing syndrome. Last evaluated: 2025-03-24. Review status: criteria provided, single submitter. Criteria: ClinGen BRCA1BRCA2 ACMG Specifications BRCA1 V1.0.0. Collection method: clinical testing. Allele origin: germline.
Comment: PVS1, PM5_PTC_Strong c.5518_5524del, located in exon 23 (24 in BIC nomenclature) of the BRCA1 gene, consists in the deletion of seven nucleotides, is expected to result in loss of function by premature protein truncation, p.(Asp1840*). This alteration is expected to result in loss of function because the resulting coding sequence is not preserved (PVS1, PM5_PTC_Strong). It is not present in the population database gnomAD v2.1.1, non-cancer dataset. The SpliceAI algorithm predicts no significant impact on splicing. This variant has not been reported neither in the ClinVar, the LOVD nor in BRCA Exchange databases. Based on currently available information, the variant c.5518_5524del is classified as a pathogenic variant according to ClinGen-BRCA1 and BRCA2 Guidelines version 1.0.0